The following is an entry in ClinVar:

ClinVar aggregate classification (germline): Uncertain significance. Review status: criteria provided, multiple submitters, no conflicts (2 of 4 stars). 3 submissions from 3 submitters: Uncertain significance (3). Last evaluated 2023-11-26.

Conditions:
Desbuquois dysplasia 1 (DBQD1). Also called: MICROMELIC DWARFISM WITH VERTEBRAL AND METAPHYSEAL ABNORMALITIES AND ADVANCED CARPOTARSAL OSSIFICATION; DESBUQUOIS DYSPLASIA 1, KIM VARIANT. Identifiers: Orphanet 1425, MedGen C4012146, MONDO:0009629, OMIM 251450.
Inborn genetic diseases. Identifiers: MedGen C0950123, MeSH D030342.

Allele frequency attached by ClinVar (database versions not stated): gnomAD exomes 0.00004 and 0.00013; gnomAD 0.00005 and 0.00006; TOPMed 0.00008; ExAC 0.00011; 1000 Genomes Project 30x 0.00016; 1000 Genomes Project 0.00020.
gnomAD v4.1: 73 of 1,614,144 alleles (0.0045%); highest among the groups gnomAD compares: East Asian, 0.06%; no homozygotes.

Submissions (3):

GeneDx
Classification: Uncertain significance. Last evaluated: 2023-11-26. Review status: criteria provided, single submitter. Criteria: GeneDx Variant Classification Process June 2021. Collection method: clinical testing. Allele origin: germline. Affected: yes.
Comment: In silico analysis supports that this missense variant does not alter protein structure/function; Has not been previously published as pathogenic or benign to our knowledge

Labcorp Genetics (formerly Invitae), Labcorp
Classification: Uncertain significance for Desbuquois dysplasia 1. Last evaluated: 2021-08-27. Review status: criteria provided, single submitter. Criteria: Invitae Variant Classification Sherloc (09022015). Collection method: clinical testing. Allele origin: germline.
Comment: This sequence change replaces arginine with glutamine at codon 662 of the XYLT1 protein (p.Arg662Gln). The arginine residue is highly conserved and there is a small physicochemical difference between arginine and glutamine. This variant is present in population databases (rs190383164, ExAC 0.08%). This variant has not been reported in the literature in individuals affected with XYLT1-related conditions. Algorithms developed to predict the effect of missense changes on protein structure and function are either unavailable or do not agree on the potential impact of this missense change (SIFT: "Tolerated"; PolyPhen-2: "Possibly Damaging"; Align-GVGD: "Class C0"). Algorithms developed to predict the effect of sequence changes on RNA splicing suggest that this variant may create or strengthen a splice site. In summary, the available evidence is currently insufficient to determine the role of this variant in disease. Therefore, it has been classified as a Variant of Uncertain Significance.

Ambry Genetics
Classification: Uncertain significance for Inborn genetic diseases. Last evaluated: 2021-06-11. Review status: criteria provided, single submitter. Criteria: Ambry Variant Classification Scheme 2023. Collection method: clinical testing. Allele origin: germline.

NM_022166.4(XYLT1):c.1985G>A (p.Arg662Gln)

Genes: XYLT1 (xylosyltransferase 1; minus strand), LOC102723692 (uncharacterized LOC102723692; plus strand). Cytogenetic location: 16p12.3.
Variant type: single nucleotide variant.
Coding change: c.1985G>A on transcript NM_022166.4 (MANE Select); coding-DNA position 1985, G replaced by A.
Protein change: p.Arg662Gln; replaces arginine 662 with glutamine.
Molecular consequence: missense variant. On other transcripts: non-coding transcript variant (1).
Genome position (GRCh38, 1-based): chr16:17,134,515, C>T on the plus strand (G>A on the coding strand, the complement: XYLT1 is on the minus strand). VCF-style: chr16-17134515-C-T. GRCh37 (hg19) VCF-style: chr16-17228372-C-T.
Other names: c.1985G>A (NM_022166.3); short protein forms R662Q.
Identifiers: ClinVar variation 1374204 (VCV001374204.7), dbSNP rs190383164, ClinGen allele CA7927714.